The following is an entry in ClinVar:

NM_001291867.2(NHS):c.4871C>G (p.Thr1624Arg)

Gene: NHS (NHS actin remodeling regulator; plus strand). Cytogenetic location: Xp22.13.
Variant type: single nucleotide variant.
Coding change: c.4871C>G on transcript NM_001291867.2 (MANE Select); coding-DNA position 4871, C replaced by G.
Protein change: p.Thr1624Arg; replaces threonine 1624 with arginine.
Molecular consequence: missense variant.
Genome position (GRCh38, 1-based): chrX:17,732,379, C>G. VCF-style: chrX-17732379-C-G. GRCh37 (hg19) VCF-style: chrX-17750499-C-G.
Other names: c.4340C>G, p.Thr1447Arg (NM_001136024.4); c.4277C>G, p.Thr1426Arg (NM_001291868.2); c.4808C>G, p.Thr1603Arg (NM_198270.4); short protein forms T1426R, T1447R, T1603R, T1624R.
Identifiers: ClinVar variation 3658002 (VCV003658002.2).
Genomic context (GRCh38, chrX:17,732,379, plus strand): 5'-CTCGGGCCCCTCCTGCAGCCAGCAGCAGCCGCTACAGTGTCCGCTGCCGGCTGTACAATA[C>G]GCCCATGCAGGCAATCTCCGAGGGAGAGACGGAAAATTCTGACGGGAGCCCACATGACGA-3'
Protein context (NP_001278796.1, residues 1614-1634): RYSVRCRLYN[Thr1624Arg]PMQAISEGET

ClinVar aggregate classification (germline): Uncertain significance (1 of 4 stars; one submission).

Conditions:
Nance-Horan syndrome (NHS). Identifiers: Orphanet 627, MedGen C0796085, MONDO:0010545, OMIM 302350.

Submission:

Labcorp Genetics (formerly Invitae), Labcorp
Classification: Uncertain significance for Nance-Horan syndrome. Last evaluated: 2024-06-27. Review status: criteria provided, single submitter. Criteria: Invitae Variant Classification Sherloc (09022015). Collection method: clinical testing. Allele origin: germline.
Comment: This sequence change replaces threonine, which is neutral and polar, with arginine, which is basic and polar, at codon 1603 of the NHS protein (p.Thr1603Arg). This variant is not present in population databases (gnomAD no frequency). This variant has not been reported in the literature in individuals affected with NHS-related conditions. Advanced modeling of protein sequence and biophysical properties (such as structural, functional, and spatial information, amino acid conservation, physicochemical variation, residue mobility, and thermodynamic stability) performed at Invitae indicates that this missense variant is not expected to disrupt NHS protein function with a negative predictive value of 80%. In summary, the available evidence is currently insufficient to determine the role of this variant in disease. Therefore, it has been classified as a Variant of Uncertain Significance.